The following is an entry in ClinVar:

NM_020738.4(KIDINS220):c.4604C>T (p.Pro1535Leu)

Gene: KIDINS220 (kinase D interacting substrate 220; minus strand). Cytogenetic location: 2p25.1.
Variant type: single nucleotide variant.
Coding change: c.4604C>T on transcript NM_020738.4 (MANE Select); coding-DNA position 4604, C replaced by T.
Protein change: p.Pro1535Leu; replaces proline 1535 with leucine.
Molecular consequence: missense variant. On other transcripts: intron variant (6).
Genome position (GRCh38, 1-based): chr2:8,731,432, G>A on the plus strand (C>T on the coding strand, the complement: KIDINS220 is on the minus strand). VCF-style: chr2-8731432-G-A. GRCh37 (hg19) VCF-style: chr2-8871562-G-A.
Other names: c.4607C>T, p.Pro1536Leu (NM_001348729.2); c.4550C>T, p.Pro1517Leu (NM_001348731.2); c.4547C>T, p.Pro1516Leu (NM_001348732.2); c.4436C>T, p.Pro1479Leu (NM_001348734.2); c.4433C>T, p.Pro1478Leu (NM_001348735.2); c.4307C>T, p.Pro1436Leu (NM_001348736.2); c.3882+2012C>T (NM_001348741.2, NM_001348742.2, NM_001348743.2); c.3996+2012C>T (NM_001348738.2); and 1 more; short protein forms P1436L, P1478L, P1479L, P1516L, P1517L, P1535L, P1536L.
Identifiers: ClinVar variation 1800681 (VCV001800681.1), dbSNP rs2527400008, ClinGen allele CA345763502.
Genomic context (GRCh38, chr2:8,731,432, plus strand): 5'-GACTTCGGCACTCTCTCTACTTTCCCTTCGGCTTTTCTGTCTTTGTCATCTTTGAGCAGT[G>A]GAGTGTTATCTGATTCTTCTGTGCCAGATTCATCCTCGTCACTTGGGAGTTTTTGATAGC-3'
Protein context (NP_065789.1, residues 1525-1545): ESGTEESDNT[Pro1535Leu]LLKDDKDRKA

ClinVar aggregate classification (germline): Uncertain significance (1 of 4 stars; one submission).

Submission:

GeneDx
Classification: Uncertain significance. Last evaluated: 2022-05-16. Review status: criteria provided, single submitter. Criteria: GeneDx Variant Classification Process June 2021. Collection method: clinical testing. Allele origin: germline. Affected: yes.
Comment: Not observed at significant frequency in large population cohorts (gnomAD); In silico analysis supports that this missense variant has a deleterious effect on protein structure/function; Has not been previously published as pathogenic or benign to our knowledge